The following is an entry in ClinVar:

NM_007294.4(BRCA1):c.1807T>G (p.Ser603Ala)

Gene: BRCA1 (BRCA1 DNA repair associated; minus strand). Cytogenetic location: 17q21.31.
Variant type: single nucleotide variant.
Coding change: c.1807T>G on transcript NM_007294.4 (MANE Select); coding-DNA position 1807, T replaced by G.
Protein change: p.Ser603Ala; replaces serine 603 with alanine.
Molecular consequence: missense variant. On other transcripts: intron variant (137).
Genome position (GRCh38, 1-based): chr17:43,093,724, A>C on the plus strand (T>G on the coding strand, the complement: BRCA1 is on the minus strand). VCF-style: chr17-43093724-A-C. GRCh37 (hg19) VCF-style: chr17-41245741-A-C.
Other names: c.1666T>G, p.Ser556Ala (NM_001407726.1, NM_001407727.1, NM_001407725.1 and 29 more transcripts); c.1594T>G, p.Ser532Ala (NM_001407571.1, NM_001407853.1, NM_001407894.1 and 9 more transcripts); c.1807T>G, p.Ser603Ala (NM_001407581.1, NM_001407582.1, NM_001407583.1 and 30 more transcripts); c.1804T>G, p.Ser602Ala (NM_001407587.1, NM_001407590.1, NM_001407591.1 and 22 more transcripts); c.1798T>G, p.Ser600Ala (NM_001407646.1, NM_001407647.1); c.1684T>G, p.Ser562Ala (NM_001407648.1, NM_001407664.1, NM_001407665.1 and 19 more transcripts); c.1681T>G, p.Ser561Ala (NM_001407649.1, NM_001407670.1, NM_001407671.1 and 11 more transcripts); c.1729T>G, p.Ser577Ala (NM_001407653.1, NM_001407654.1, NM_001407655.1 and 4 more transcripts); and 40 more; short protein forms S603A, S556A, S492A, S514A, S536A, S555A, S600A, S515A.
Identifiers: ClinVar variation 462567 (VCV000462567.12), dbSNP rs1555591208, ClinGen allele CA10598402.

ClinVar aggregate classification (germline): Conflicting classifications of pathogenicity. Review status: criteria provided, conflicting classifications (1 of 4 stars). 2 submissions from 2 submitters: Uncertain significance (1); Likely benign (1). Last evaluated 2023-03-23.

Conditions:
Hereditary cancer-predisposing syndrome. Also called: Neoplastic Syndromes, Hereditary; Hereditary Cancer Syndrome; Hereditary neoplastic syndrome; Tumor predisposition. Identifiers: Orphanet 140162, MedGen C0027672, MeSH D009386, MONDO:0015356.
Hereditary breast ovarian cancer syndrome. Also called: Hereditary breast and ovarian cancer syndrome (HBOC); Hereditary breast and ovarian cancer syndrome; Breast and ovarian cancer; Hereditary breast and/or ovarian cancer syndrome; Hereditary breast and ovarian cancer; BRCA1- and BRCA2-Associated Hereditary Breast and Ovarian Cancer. Identifiers: Orphanet 145, MedGen C0677776, MeSH D061325, MONDO:0003582. Disease mechanism: loss of function.

Submissions (2):

University of Washington Department of Laboratory Medicine, University of Washington
Classification: Likely benign for Hereditary cancer-predisposing syndrome. Last evaluated: 2023-03-23. Review status: criteria provided, single submitter. Criteria: Dines et al. (Genet Med. 2020). Collection method: curation. Allele origin: germline.
Comment: Missense variant in a coldspot region where missense variants are very unlikely to be pathogenic (PMID:31911673).

BRCA1 coldspot (exon 11 using historical exon numbering). Reclassification based on statistical prior probability

Labcorp Genetics (formerly Invitae), Labcorp
Classification: Uncertain significance for Hereditary breast ovarian cancer syndrome. Last evaluated: 2017-05-28. Review status: criteria provided, single submitter. Criteria: Invitae Variant Classification Sherloc (09022015). Collection method: clinical testing. Allele origin: germline.
Comment: In summary, this variant has uncertain impact on BRCA1 function. The available evidence is currently insufficient to determine its role in disease. Therefore, it has been classified as a Variant of Uncertain Significance. Algorithms developed to predict the effect of missense changes on protein structure and function output the following: SIFT: "Tolerated"; PolyPhen-2: "Benign"; Align-GVGD: "Class C0". The alanine amino acid residue is found in multiple mammalian species, suggesting that this missense change does not adversely affect protein function. These predictions have not been confirmed by published functional studies and their clinical significance is uncertain. This sequence change replaces serine with alanine at codon 603 of the BRCA1 protein (p.Ser603Ala). The serine residue is moderately conserved and there is a moderate physicochemical difference between serine and alanine. This variant is not present in population databases (ExAC no frequency). This variant has not been reported in the literature in individuals with a BRCA1-related disease.